The following is an entry in ClinVar:

ClinVar aggregate classification (germline): Uncertain significance (1 of 4 stars; one submission).

Conditions:
Sulfite oxidase deficiency due to molybdenum cofactor deficiency type C. Also called: Molybdenum cofactor deficiency, complementation group C; Molybdenum cofactor deficiency C. Identifiers: Orphanet 308400, Orphanet 833, MedGen C1854990, MONDO:0014212, OMIM 615501.

Submission:

Labcorp Genetics (formerly Invitae), Labcorp
Classification: Uncertain significance for Sulfite oxidase deficiency due to molybdenum cofactor deficiency type C. Last evaluated: 2023-10-16. Review status: criteria provided, single submitter. Criteria: Invitae Variant Classification Sherloc (09022015). Collection method: clinical testing. Allele origin: germline.
Comment: This sequence change replaces methionine, which is neutral and non-polar, with valine, which is neutral and non-polar, at codon 729 of the GPHN protein (p.Met729Val). This variant is not present in population databases (gnomAD no frequency). This variant has not been reported in the literature in individuals affected with GPHN-related conditions. ClinVar contains an entry for this variant (Variation ID: 1379175). Advanced modeling of protein sequence and biophysical properties (such as structural, functional, and spatial information, amino acid conservation, physicochemical variation, residue mobility, and thermodynamic stability) performed at Invitae indicates that this missense variant is not expected to disrupt GPHN protein function. In summary, the available evidence is currently insufficient to determine the role of this variant in disease. Therefore, it has been classified as a Variant of Uncertain Significance.

NM_020806.5(GPHN):c.2185A>G (p.Met729Val)

Gene: GPHN (gephyrin; plus strand). Cytogenetic location: 14q23.3.
Variant type: single nucleotide variant.
Coding change: c.2185A>G on transcript NM_020806.5 (MANE Select); coding-DNA position 2185, A replaced by G.
Protein change: p.Met729Val; replaces methionine 729 with valine.
Molecular consequence: missense variant.
Genome position (GRCh38, 1-based): chr14:67,180,812, A>G. VCF-style: chr14-67180812-A-G. GRCh37 (hg19) VCF-style: chr14-67647529-A-G.
Other names: c.2086A>G, p.Met696Val (NM_001024218.2); c.2245A>G, p.Met749Val (NM_001377514.1); c.2215A>G, p.Met739Val (NM_001377515.1); c.2206A>G, p.Met736Val (NM_001377516.1); c.2158A>G, p.Met720Val (NM_001377517.1); c.2143A>G, p.Met715Val (NM_001377518.1); c.2125A>G, p.Met709Val (NM_001377519.1); short protein forms M715V, M739V, M709V, M720V, M736V, M749V, M696V, M729V.
Identifiers: ClinVar variation 1379175 (VCV001379175.6), dbSNP rs2140211629, ClinGen allele CA390122502.
Genomic context (GRCh38, chr14:67,180,812, plus strand): 5'-ACTGTATACGCCATGATGCTTATGCTGCTGTAATAAGAGTATTTCTTTCTAGGTAATCAA[A>G]TGAGCAGCCGTCTGATGAGCATGCGCAGTGCCAATGGATTGTTGATGCTACCTCCAAAGA-3'
Protein context (NP_065857.1, residues 719-739): LPWAQSTGNQ[Met729Val]SSRLMSMRSA